The following is an entry in ClinVar:

ClinVar aggregate classification (germline): Conflicting classifications of pathogenicity. Review status: criteria provided, conflicting classifications (1 of 4 stars). 25 submissions from 21 submitters: Uncertain significance (6); Benign (5); Likely benign (8). 6 of the submissions do not count toward it. Last evaluated 2026-02-04.

Conditions:
Dilated cardiomyopathy 1G (CMD1G). Identifiers: Orphanet 154, MedGen C1858763, MONDO:0011400, OMIM 604145.
Autosomal recessive limb-girdle muscular dystrophy type 2J (LGMDR10). Also called: MUSCULAR DYSTROPHY, LIMB-GIRDLE, AUTOSOMAL RECESSIVE 10; Limb-girdle muscular dystrophy, type 2J. Identifiers: Orphanet 140922, MedGen C1837342, MONDO:0012127, OMIM 608807.
Hereditary skeletal muscle disorder. Identifiers: MedGen CN324038, MONDO:0700223.
TTN-related disorder. Also called: TTN-related disorders; TTN-related condition; TTN-related disease.
Cardiomyopathy (CMYO). Also called: Cardiomyopathies. Identifiers: Orphanet 167848, MedGen C0878544, MONDO:0004994, HP:0001638. Inheritance: Various modes of inheritance.
Early-onset myopathy with fatal cardiomyopathy (CMYO5). Also called: CONGENITAL MYOPATHY 5 WITH CARDIOMYOPATHY; Salih Myopathy. Identifiers: Orphanet 289377, MedGen C2673677, MONDO:0012714, OMIM 611705. Disease mechanism: loss of function.
Myopathy, myofibrillar, 9, with early respiratory failure (MFM9). Also called: Myopathy, distal, with early respiratory failure, autosomal dominant; Hereditary myopathy with early respiratory failure; MYOPATHY, PROXIMAL, WITH EARLY RESPIRATORY MUSCLE INVOLVEMENT; EDSTROM MYOPATHY. Identifiers: Orphanet 178464, Orphanet 34521, MedGen C1863599, MONDO:0011362, OMIM 603689.
Tibial muscular dystrophy (TMD). Also called: Udd Distal Myopathy – Tibial Muscular Dystrophy; Tibial muscular dystrophy, tardive; UDD MYOPATHY. Identifiers: Orphanet 609, MedGen C1838244, MONDO:0010870, OMIM 600334.
Tip-toe gait. Also called: Toe walking. Identifiers: MedGen C0427144, HP:0030051.

Allele frequency attached by ClinVar (database versions not stated): ExAC 0.00090; TOPMed 0.00102; gnomAD 0.00107 and 0.00109; 1000 Genomes Project 30x 0.00016; 1000 Genomes Project 0.00020; gnomAD exomes 0.00101 and 0.00185; ESP Exome Variant Server 0.00164.
gnomAD v4.1: 2,804 of 1,613,702 alleles (0.17%); highest among the groups gnomAD compares: Non-Finnish European, 0.23%; 2 homozygotes.

Submissions 1 to 19 of 25:

Labcorp Genetics (formerly Invitae), Labcorp
Classification: Likely benign for Dilated cardiomyopathy 1G; Autosomal recessive limb-girdle muscular dystrophy type 2J. Last evaluated: 2026-02-04. Review status: criteria provided, single submitter. Criteria: Invitae Variant Classification Sherloc (09022015). Collection method: clinical testing. Allele origin: germline.

CeGaT Center for Human Genetics Tuebingen
Classification: Likely benign. Last evaluated: 2025-06-01. Review status: criteria provided, single submitter. Criteria: CeGaT Center For Human Genetics Tuebingen Variant Classification Criteria Version 2. Collection method: clinical testing. Allele origin: germline. Affected: yes. Observed: 5 variant alleles.
Comment: TTN: BS2

Molecular Diagnostic Laboratory for Inherited Cardiovascular Disease, Montreal Heart Institute
Classification: Likely benign. Last evaluated: 2025-04-09. Review status: criteria provided, single submitter. Criteria: ACMG Guidelines, 2015. Collection method: clinical testing. Allele origin: germline. Affected: no.
Comment: BS1;BP1

ARUP Laboratories, Molecular Genetics and Genomics, ARUP Laboratories
Classification: Likely benign. Last evaluated: 2024-12-18. Review status: criteria provided, single submitter. Criteria: ARUP Molecular Germline Variant Investigation Process 2024. Collection method: clinical testing. Allele origin: germline.

Blueprint Genetics
Classification: Likely benign. Last evaluated: 2024-11-26. Review status: criteria provided, single submitter. Criteria: ACMG Guidelines, 2015. Collection method: clinical testing. Allele origin: germline.

Mayo Clinic Laboratories, Mayo Clinic
Classification: Likely benign. Last evaluated: 2024-01-22. Review status: criteria provided, single submitter. Criteria: ACMG Guidelines, 2015. Collection method: clinical testing. Allele origin: germline. Observed: 9 variant alleles.
Comment: BS1

Women's Health and Genetics/Laboratory Corporation of America, LabCorp
Classification: Likely benign. Last evaluated: 2023-04-17. Review status: criteria provided, single submitter. Criteria: LabCorp Variant Classification Summary - May 2015. Collection method: clinical testing. Allele origin: germline.

Cambridge Genomics Laboratory, East Genomic Laboratory Hub, NHS Genomic Medicine Service
Classification: Uncertain significance for Hereditary skeletal muscle disorder. Last evaluated: 2020-01-10. Review status: criteria provided, single submitter. Criteria: ACGS Best Practice Guidelines for Variant Classification in Rare Disease 2020. Collection method: clinical testing. Allele origin: germline. Affected: yes. Observed: 1 variant allele.

Athena Diagnostics
Classification: Benign. Last evaluated: 2018-09-26. Review status: criteria provided, single submitter. Criteria: Athena Diagnostics Criteria. Collection method: clinical testing. Allele origin: germline.

Illumina Laboratory Services, Illumina
Classification: Uncertain significance for Autosomal recessive limb-girdle muscular dystrophy type 2J. Last evaluated: 2018-01-13. Review status: criteria provided, single submitter. Criteria: ICSL Variant Classification Criteria 13 December 2019. Collection method: clinical testing. Allele origin: germline.

Illumina Laboratory Services, Illumina
Classification: Benign for Myopathy, myofibrillar, 9, with early respiratory failure. Last evaluated: 2018-01-13. Review status: criteria provided, single submitter. Criteria: ICSL Variant Classification Criteria 13 December 2019. Collection method: clinical testing. Allele origin: germline.
Comment: This variant was observed in the ICSL laboratory as part of a predisposition screen in an ostensibly healthy population. It had not been previously curated by ICSL or reported in the Human Gene Mutation Database (HGMD: prior to June 1st, 2018), and was therefore a candidate for classification through an automated scoring system. Utilizing variant allele frequency, disease prevalence and penetrance estimates, and inheritance mode, an automated score was calculated to assess if this variant is too frequent to cause the disease. Based on the score and internal cut-off values, a variant classified as benign is not then subjected to further curation. The score for this variant resulted in a classification of benign for this disease.

Illumina Laboratory Services, Illumina
Classification: Uncertain significance for Dilated cardiomyopathy 1G. Last evaluated: 2018-01-13. Review status: criteria provided, single submitter. Criteria: ICSL Variant Classification Criteria 13 December 2019. Collection method: clinical testing. Allele origin: germline.

Illumina Laboratory Services, Illumina
Classification: Benign for Tibial muscular dystrophy. Last evaluated: 2018-01-13. Review status: criteria provided, single submitter. Criteria: ICSL Variant Classification Criteria 13 December 2019. Collection method: clinical testing. Allele origin: germline.
Comment: the same text as in the submission from Illumina Laboratory Services, Illumina above.

Illumina Laboratory Services, Illumina
Classification: Uncertain significance for Early-onset myopathy with fatal cardiomyopathy. Last evaluated: 2018-01-13. Review status: criteria provided, single submitter. Criteria: ICSL Variant Classification Criteria 13 December 2019. Collection method: clinical testing. Allele origin: germline.

CHEO Genetics Diagnostic Laboratory, Children's Hospital of Eastern Ontario
Classification: Benign for Cardiomyopathy. Last evaluated: 2017-12-12. Review status: criteria provided, single submitter. Criteria: ACMG Guidelines, 2015. Collection method: clinical testing. Allele origin: germline.

Eurofins Ntd Llc (ga)
Classification: Uncertain significance. Last evaluated: 2015-12-21. Review status: criteria provided, single submitter. Criteria: EGL Classification Definitions 2015. Collection method: clinical testing. Allele origin: germline. Observed: 3 variant alleles, 3 heterozygotes.

Laboratory for Molecular Medicine, Mass General Brigham Personalized Medicine
Classification: Uncertain significance. Last evaluated: 2015-10-15. Review status: criteria provided, single submitter. Criteria: LMM Criteria. Collection method: clinical testing. Allele origin: germline. Observed: 6 variant alleles.
Comment: Variant classified as Uncertain Significance - Favor Benign. The p.Gln3944Pro va riant in TTN has been identified by our laboratory in 5 individuals with cardiom yopathy (1 adult with CPVT, LV dilation and AV block; 1 adult with DCM; 1 neonat e with unspecified cardiomyopathy; 1 infant with DCM; and 1 adult with HCM and L VNC who carried a pathogenic variant in another gene). This variant has also bee n identified in 0.2% (103/66642) of European chromosomes by the Exome Aggregatio n Consortium (ExAC; dbSNP rs72648930). Computati onal prediction tools and conservation analysis do not provide strong support fo r or against an impact to the protein. In summary, while the clinical significa nce of the p.Gln3944Pro variant is uncertain, its frequency suggests that it is more likely to be benign.

GeneDx
Classification: Benign. Last evaluated: 2014-01-13. Review status: criteria provided, single submitter. Criteria: GeneDx Variant Classification (06012015). Collection method: clinical testing. Allele origin: germline. Affected: yes.
Comment: This variant is considered likely benign or benign based on one or more of the following criteria: it is a conservative change, it occurs at a poorly conserved position in the protein, it is predicted to be benign by multiple in silico algorithms, and/or has population frequency not consistent with disease.

Biesecker Lab/Clinical Genomics Section, National Institutes of Health
Classification: Likely benign. Last evaluated: 2013-06-24. Review status: criteria provided, single submitter. Criteria: Ng et al. (Circ Cardiovasc Genet. 2013). Collection method: research. Allele origin: unknown. Observed: 2 variant alleles. Study: ClinSeq.
Comment: The study set was not selected for affection status in relation to any cancer. Pathogenicity categories were based on literature curation. See Pubmed ID:23861362 for details.

Medical sequencing

NM_001267550.2(TTN):c.15563A>C (p.Gln5188Pro)

Gene: TTN (titin; minus strand). Cytogenetic location: 2q31.2.
Variant type: single nucleotide variant.
Coding change: c.15563A>C on transcript NM_001267550.2 (MANE Select); coding-DNA position 15563, A replaced by C.
Protein change: p.Gln5188Pro; replaces glutamine 5188 with proline.
Molecular consequence: missense variant. On other transcripts: intron variant (3).
Genome position (GRCh38, 1-based): chr2:178,733,826, T>G on the plus strand (A>C on the coding strand, the complement: TTN is on the minus strand). VCF-style: chr2-178733826-T-G. GRCh37 (hg19) VCF-style: chr2-179598553-T-G.
Other names: c.14612A>C, p.Gln4871Pro (NM_001256850.1); c.11831A>C, p.Gln3944Pro (NM_133378.4); c.13282+4256A>C (NM_003319.4); c.13858+4256A>C (NM_133437.4); c.13657+4256A>C (NM_133432.3); short protein forms Q5188P, Q3944P, Q4871P.
Identifiers: ClinVar variation 46603 (VCV000046603.78), dbSNP rs72648930, ClinGen allele CA211174.